The following is an entry in ClinVar:

ClinVar aggregate classification (germline): Pathogenic/Likely pathogenic. Review status: criteria provided, multiple submitters, no conflicts (2 of 4 stars). 2 submissions from 2 submitters: Pathogenic (1); Likely pathogenic (1). Last evaluated 2019-11-27.

Conditions:
Dilated cardiomyopathy 1G (CMD1G). Identifiers: Orphanet 154, MedGen C1858763, MONDO:0011400, OMIM 604145.
Autosomal recessive limb-girdle muscular dystrophy type 2J (LGMDR10). Also called: MUSCULAR DYSTROPHY, LIMB-GIRDLE, AUTOSOMAL RECESSIVE 10; Limb-girdle muscular dystrophy, type 2J. Identifiers: Orphanet 140922, MedGen C1837342, MONDO:0012127, OMIM 608807.

Submissions (2):

Labcorp Genetics (formerly Invitae), Labcorp
Classification: Likely pathogenic for Dilated cardiomyopathy 1G; Limb-girdle muscular dystrophy, type 2J. Last evaluated: 2019-11-27. Review status: criteria provided, single submitter. Criteria: Invitae Variant Classification Sherloc (09022015). Collection method: clinical testing. Allele origin: germline.
Comment: This sequence change results in a premature translational stop signal in the TTN gene (p.Gly19523Valfs*8). While this is not anticipated to result in nonsense mediated decay, it is expected to create a truncated TTN protein. This variant is not present in population databases (ExAC no frequency). This variant has not been reported in the literature in individuals with TTN-related disease. ClinVar contains an entry for this variant (Variation ID: 568621). Algorithms developed to predict the effect of sequence changes on RNA splicing suggest that this variant may create or strengthen a splice site, but this prediction has not been confirmed by published transcriptional studies. This variant is found in the A-band of this gene. While this particular variant has not been reported in the literature, truncating variants in the A-band of TTN are significantly overrepresented in patients with dilated cardiomyopathy and are considered to be likely pathogenic for the disease (PMID: 25589632). In summary, the currently available evidence indicates that the variant is pathogenic, but additional data are needed to prove that conclusively. Therefore, this variant has been classified as Likely Pathogenic.

GeneDx
Classification: Pathogenic. Last evaluated: 2019-05-21. Review status: criteria provided, single submitter. Criteria: GeneDx Variant Classification (06012015). Collection method: clinical testing. Allele origin: germline. Affected: yes.
Comment: The c.53645delG pathogenic variant in the TTN gene has not been published as pathogenic or benign to our knowledge. c.53645delG causes a shift in reading frame starting at codon glycine 17882, changing it to a valine, and creating a premature stop codon at position 8 of the new reading frame, denoted p.Gly17882ValfsX8. This pathogenic variant is expected to result in either an abnormal, truncated protein product or loss of protein from this allele through nonsense-mediated mRNA decay. Other truncating TTN variants have been reported in approximately 3% of control alleles (Herman et al., 2012). However, c.53645delG is located in the A-band region of titin, where the majority of truncating pathogenic variants associated with DCM have been reported (Herman et al., 2012). Moreover, the c.53645delG variant has not been observed in large population cohorts (Lek et al., 2016).

Literature cited by the submitters: PubMed 25589632 (cited by Labcorp Genetics (formerly Invitae), Labcorp).

NM_001267550.2(TTN):c.58568del (p.Gly19523fs)

Genes: TTN-AS1 (TTN antisense RNA 1; plus strand), TTN (titin; minus strand). Cytogenetic location: 2q31.2.
Variant type: Deletion.
Coding change: c.58568del on transcript NM_001267550.2 (MANE Select); coding-DNA position 58568, one base deleted (G; older notation c.58568delG).
Protein change: p.Gly19523fs; shifts the reading frame from glycine 19523.
Molecular consequence: frameshift variant.
Genome position (GRCh38, 1-based): chr2:178,593,732, C deleted on the plus strand (G on the coding strand, the reverse complement: TTN is on the minus strand); the first of 3 consecutive C bases (chr2:178,593,732-178,593,734); deleting any one gives the same sequence. VCF-style (leftmost placement, unchanged base first): chr2-178593731-AC-A. GRCh37 (hg19) VCF-style: chr2-179458458-AC-A.
Other names: c.53645del, p.Gly17882fs (NM_001256850.1); c.31373del, p.Gly10458fs (NM_003319.4); c.50864del, p.Gly16955fs (NM_133378.4); c.31748del, p.Gly10583fs (NM_133432.3); c.31949del, p.Gly10650fs (NM_133437.4); c.53645delG (NM_001256850.1); c.58568delG (NM_001267550.2); short protein forms G19523fs, G10583fs, G10650fs, G17882fs, G10458fs, G16955fs.
Identifiers: ClinVar variation 568621 (VCV000568621.3), dbSNP rs1553650442, ClinGen allele CA891843235.